The following is an entry in ClinVar:

NM_004446.3(EPRS1):c.3562C>T (p.Gln1188Ter)

Gene: EPRS1 (glutamyl-prolyl-tRNA synthetase 1; minus strand). Cytogenetic location: 1q41.
Variant type: single nucleotide variant.
Coding change: c.3562C>T on transcript NM_004446.3 (MANE Select); coding-DNA position 3562, C replaced by T.
Protein change: p.Gln1188Ter; replaces glutamine 1188 with a stop codon.
Molecular consequence: nonsense.
Genome position (GRCh38, 1-based): chr1:219,980,234, G>A on the plus strand (C>T on the coding strand, the complement: EPRS1 is on the minus strand). VCF-style: chr1-219980234-G-A. GRCh37 (hg19) VCF-style: chr1-220153576-G-A.
Other names: short protein forms Q1188*.
Identifiers: ClinVar variation 4855898 (VCV004855898.1).

ClinVar aggregate classification (germline): Likely pathogenic (1 of 4 stars; one submission).

Conditions:
Leukodystrophy, hypomyelinating, 15. Identifiers: MedGen C4693733, MONDO:0054782, OMIM 617951.

gnomAD v4.1: 2 of 1,608,976 alleles (0.00012%); highest among the groups gnomAD compares: Non-Finnish European, 0.000085%; no homozygotes.

Submission:

3billion
Classification: Likely pathogenic for Leukodystrophy, hypomyelinating, 15. Last evaluated: 2025-09-02. Review status: criteria provided, single submitter. Criteria: ACMG Guidelines, 2015. Collection method: clinical testing. Allele origin: germline. Affected: yes.
Comment: The variant is observed at an extremely low frequency in the gnomAD v4.1.0 dataset (total allele frequency: <0.001%). Predicted Consequence/Location: Stop-gained (nonsense): predicted to result in a loss or disruption of normal protein function through nonsense-mediated decay (NMD) or protein truncation. Multiple pathogenic variants are reported downstream of the variant. Therefore, this variant is classified as Likely pathogenic according to the recommendation of ACMG/AMP guideline.